The following is an entry in ClinVar:

NM_025137.4(SPG11):c.3074_3077del (p.Lys1025fs)

Gene: SPG11 (SPG11 vesicle trafficking associated, spatacsin; minus strand). Cytogenetic location: 15q21.1.
Variant type: Deletion.
Coding change: c.3074_3077del on transcript NM_025137.4 (MANE Select); coding-DNA positions 3074 to 3077, 4 bases deleted (AAGA; older notation c.3074_3077delAAGA).
Protein change: p.Lys1025fs; shifts the reading frame from lysine 1025.
Molecular consequence: frameshift variant.
Genome position (GRCh38, 1-based): chr15:44,613,498-44,613,501, TCTT deleted on the plus strand (AAGA on the coding strand, the reverse complement: SPG11 is on the minus strand); deleting any 4 consecutive bases within chr15:44,613,498-44,613,502 gives the same sequence; the c. name uses the placement nearest the transcript's 3' end. VCF-style (leftmost placement, unchanged base first): chr15-44613497-CTCTT-C. GRCh37 (hg19) VCF-style: chr15-44905695-CTCTT-C.
Other names: p.Lys1025Serfs*12; c.3074_3077del, p.Lys1025fs (NM_001160227.2); c.3074_3077del (NM_025137.3); short protein forms K1025fs.
Identifiers: ClinVar variation 534850 (VCV000534850.11), dbSNP rs746971952, ClinGen allele CA7535068.

ClinVar aggregate classification (germline): Pathogenic/Likely pathogenic. Review status: criteria provided, multiple submitters, no conflicts (2 of 4 stars). 4 submissions from 4 submitters: Pathogenic (2); Likely pathogenic (2). Last evaluated 2025-07-10.

Conditions:
Hereditary spastic paraplegia 11. Also called: Nakamura Osame syndrome; Autosomal recessive hereditary spastic paraplegia, mental impairment, and thin corpus callosum; Spastic paraplegia, mental retardation and thin corpus callosum; SPASTIC PARAPLEGIA, AUTOSOMAL RECESSIVE, COMPLICATED, WITH THIN CORPUS CALLOSUM; SPASTIC PARAPLEGIA, AUTOSOMAL RECESSIVE, WITH MENTAL IMPAIRMENT AND THIN CORPUS CALLOSUM; Spastic Paraplegia 11. Identifiers: Orphanet 2822, MedGen C1858479, MONDO:0011445, OMIM 604360.
Charcot-Marie-Tooth disease axonal type 2X. Also called: CHARCOT-MARIE-TOOTH DISEASE, AXONAL, AUTOSOMAL RECESSIVE, TYPE 2X; CHARCOT-MARIE-TOOTH NEUROPATHY, TYPE 2X. Identifiers: Orphanet 466775, MedGen C5569024, MONDO:0014726, OMIM 616668.
Amyotrophic lateral sclerosis type 5 (ALS5). Also called: AMYOTROPHIC LATERAL SCLEROSIS 5, JUVENILE. Identifiers: Orphanet 300605, MedGen C1865864, MONDO:0011196, OMIM 602099.

Submissions (4):

Labcorp Genetics (formerly Invitae), Labcorp
Classification: Pathogenic for Hereditary spastic paraplegia 11. Last evaluated: 2025-07-10. Review status: criteria provided, single submitter. Criteria: Invitae Variant Classification Sherloc (09022015). Collection method: clinical testing. Allele origin: germline.
Comment: This sequence change creates a premature translational stop signal (p.Lys1025Serfs*12) in the SPG11 gene. It is expected to result in an absent or disrupted protein product. Loss-of-function variants in SPG11 are known to be pathogenic (PMID: 19105190, 20110243, 22154821, 26556829). This variant is not present in population databases (gnomAD no frequency). This premature translational stop signal has been observed in individual(s) with hereditary spastic paraplegia (internal data). ClinVar contains an entry for this variant (Variation ID: 534850). Algorithms developed to predict the effect of sequence changes on RNA splicing suggest that this variant may disrupt the consensus splice site. For these reasons, this variant has been classified as Pathogenic.

Mayo Clinic Laboratories, Mayo Clinic
Classification: Likely pathogenic. Last evaluated: 2025-03-13. Review status: criteria provided, single submitter. Criteria: ACMG Guidelines, 2015. Collection method: clinical testing. Allele origin: germline. Observed: 1 variant allele.
Comment: PM2_supporting, PVS1

Fulgent Genetics
Classification: Likely pathogenic for Amyotrophic lateral sclerosis type 5; Hereditary spastic paraplegia 11; Charcot-Marie-Tooth disease axonal type 2X. Last evaluated: 2024-05-13. Review status: criteria provided, single submitter. Criteria: ACMG Guidelines, 2015. Collection method: clinical testing. Allele origin: germline.

Baylor Genetics
Classification: Pathogenic for Amyotrophic lateral sclerosis type 5. Last evaluated: 2023-10-05. Review status: criteria provided, single submitter. Criteria: ACMG Guidelines, 2015. Collection method: clinical testing. Allele origin: unknown.

Literature cited by the submitters: PubMed 19105190 (cited by Labcorp Genetics (formerly Invitae), Labcorp); PubMed 20110243 (cited by Labcorp Genetics (formerly Invitae), Labcorp); PubMed 22154821 (cited by Labcorp Genetics (formerly Invitae), Labcorp); PubMed 26556829 (cited by Labcorp Genetics (formerly Invitae), Labcorp).